The following is an entry in ClinVar:

ClinVar aggregate classification (germline): Uncertain significance (1 of 4 stars; one submission).

Conditions:
Hereditary cancer-predisposing syndrome. Also called: Neoplastic Syndromes, Hereditary; Hereditary Cancer Syndrome; Hereditary neoplastic syndrome; Tumor predisposition. Identifiers: Orphanet 140162, MedGen C0027672, MeSH D009386, MONDO:0015356.

Submission:

Ambry Genetics
Classification: Uncertain significance for Hereditary cancer-predisposing syndrome. Last evaluated: 2023-05-21. Review status: criteria provided, single submitter. Criteria: Ambry Variant Classification Scheme 2023. Collection method: clinical testing. Allele origin: germline.
Comment: The p.E1856A variant (also known as c.5567A>C), located in coding exon 25 of the DICER1 gene, results from an A to C substitution at nucleotide position 5567. The glutamic acid at codon 1856 is replaced by alanine, an amino acid with dissimilar properties. This amino acid position is conserved. In addition, this alteration is predicted to be deleterious by in silico analysis. Since supporting evidence is limited at this time, the clinical significance of this alteration remains unclear.

NM_177438.3(DICER1):c.5567A>C (p.Glu1856Ala)

Gene: DICER1 (dicer 1, ribonuclease III; minus strand). Cytogenetic location: 14q32.13.
Variant type: single nucleotide variant.
Coding change: c.5567A>C on transcript NM_177438.3 (MANE Select); coding-DNA position 5567, A replaced by C.
Protein change: p.Glu1856Ala; replaces glutamic acid 1856 with alanine.
Molecular consequence: missense variant. On other transcripts: non-coding transcript variant (6).
Genome position (GRCh38, 1-based): chr14:95,091,070, T>G on the plus strand (A>C on the coding strand, the complement: DICER1 is on the minus strand). VCF-style: chr14-95091070-T-G. GRCh37 (hg19) VCF-style: chr14-95557407-T-G.
Other names: c.5404A>C, p.Asn1802His (NM_001195573.1); c.5567A>C, p.Glu1856Ala (NM_001271282.3, NM_001291628.2, NM_001395677.1 and 8 more transcripts); c.5285A>C, p.Glu1762Ala (NM_001395686.1); c.5162A>C, p.Glu1721Ala (NM_001395687.1, NM_001395688.1, NM_001395689.1 and 1 more transcripts); c.5000A>C, p.Glu1667Ala (NM_001395691.1); c.3884A>C, p.Glu1295Ala (NM_001395697.1); short protein forms E1295A, E1721A, E1856A, E1667A, E1762A, N1802H.
Identifiers: ClinVar variation 2566204 (VCV002566204.2), dbSNP rs2542400032, ClinGen allele CA390864237.